The following is an entry in ClinVar:

NM_005148.4(UNC119):c.571G>C (p.Glu191Gln)

Gene: UNC119 (unc-119 lipid binding chaperone; minus strand). Cytogenetic location: 17q11.2.
Variant type: single nucleotide variant.
Coding change: c.571G>C on transcript NM_005148.4 (MANE Select); coding-DNA position 571, G replaced by C.
Protein change: p.Glu191Gln; replaces glutamic acid 191 with glutamine.
Molecular consequence: missense variant.
Genome position (GRCh38, 1-based): chr17:28,547,716, C>G on the plus strand (G>C on the coding strand, the complement: UNC119 is on the minus strand). VCF-style: chr17-28547716-C-G. GRCh37 (hg19) VCF-style: chr17-26874734-C-G.
Other names: c.286G>C, p.Glu96Gln (NM_001330166.2); c.571G>C, p.Glu191Gln (NM_054035.2); short protein forms E191Q, E96Q.
Identifiers: ClinVar variation 1417456 (VCV001417456.8), dbSNP rs1405456098, ClinGen allele CA398330621.
Genomic context (GRCh38, chr17:28,547,716, plus strand): 5'-CAGAAGACCCTGCCCGCGCACTCAGCTCCTCGGAGAGAGGGGGGAAGTCGTAAATGTGCT[C>G]GCAGGTGTTCTTGCTGCTGGGGATGCAGAAGCCAAAGTGGAAGTCGAAGCTTTTGAGTAG-3'
Protein context (NP_005139.1, residues 181-201): FCIPSSKNTC[Glu191Gln]HIYDFPPLSE

ClinVar aggregate classification (germline): Uncertain significance (1 of 4 stars; one submission).

gnomAD v4.1: 1 of 1,614,174 alleles (0.000062%); highest among the groups gnomAD compares: Middle Eastern, 0.016%; no homozygotes.

Submission:

Labcorp Genetics (formerly Invitae), Labcorp
Classification: Uncertain significance. Last evaluated: 2022-09-27. Review status: criteria provided, single submitter. Criteria: Invitae Variant Classification Sherloc (09022015). Collection method: clinical testing. Allele origin: germline.
Comment: This variant is not present in population databases (gnomAD no frequency). In summary, the available evidence is currently insufficient to determine the role of this variant in disease. Therefore, it has been classified as a Variant of Uncertain Significance. Algorithms developed to predict the effect of missense changes on protein structure and function are either unavailable or do not agree on the potential impact of this missense change (SIFT: "Not Available"; PolyPhen-2: "Probably Damaging"; Align-GVGD: "Not Available"). ClinVar contains an entry for this variant (Variation ID: 1417456). This variant has not been reported in the literature in individuals affected with UNC119-related conditions. This sequence change replaces glutamic acid, which is acidic and polar, with glutamine, which is neutral and polar, at codon 191 of the UNC119 protein (p.Glu191Gln).